The following is an entry in ClinVar:

ClinVar aggregate classification (germline): Pathogenic (1 of 4 stars; one submission).

Submission:

Labcorp Genetics (formerly Invitae), Labcorp
Classification: Pathogenic. Last evaluated: 2023-08-20. Review status: criteria provided, single submitter. Criteria: Invitae Variant Classification Sherloc (09022015). Collection method: clinical testing. Allele origin: unknown.
Comment: For these reasons, this variant has been classified as Pathogenic. This variant disrupts a region of the PCNT protein in which other variant(s) ( deletion of exons 37-47) have been determined to be pathogenic (Invitae). This suggests that this is a clinically significant region of the protein, and that variants that disrupt it are likely to be disease-causing. This variant has not been reported in the literature in individuals affected with PCNT-related conditions. This variant is a gross deletion of the genomic region encompassing exon(s) 32-47 of the PCNT gene, which includes the termination codon. This deletion extends beyond the assayed region for this gene and therefore may encompass additional genes. While this deletion is not anticipated to lead to nonsense mediated decay, it is expected to alter mRNA translation or result in a truncated protein product.

NC_000021.8:g.(?_47841864)_(47865240_?)del

Gene: PCNT (pericentrin; plus strand). Cytogenetic location: 21q22.3.
Variant type: Deletion.
Identifiers: ClinVar variation 3248194 (VCV003248194.1).